The following is an entry in ClinVar:

ClinVar aggregate classification (germline): Conflicting classifications of pathogenicity. Review status: criteria provided, conflicting classifications (1 of 4 stars). 2 submissions from 2 submitters: Likely pathogenic (1); Uncertain significance (1). Last evaluated 2025-07-31.

Conditions:
HYPERHOMOCYSTEINEMIA, THROMBOTIC, CBS-RELATED. Identifiers: MedGen C3150344, OMIM 236200.

Submissions (2):

Women's Health and Genetics/Laboratory Corporation of America, LabCorp
Classification: Uncertain significance. Last evaluated: 2025-07-31. Review status: criteria provided, single submitter. Criteria: LabCorp Variant Classification Summary - May 2015. Collection method: clinical testing. Allele origin: germline.
Comment: Variant summary: CBS c.526G>C (p.Glu176Gln) results in a conservative amino acid change located in the Tryptophan synthase beta chain-like, PALP domain (IPR001926) of the encoded protein sequence. Algorithms developed to predict the effect of missense changes on protein structure and function are either unavailable or do not agree on the potential impact of this missense change. The variant was absent in 221972 control chromosomes. The available data on variant occurrences in the general population are insufficient to allow any conclusion about variant significance. To our knowledge, no occurrence of c.526G>C in individuals affected with Homocystinuria and no experimental evidence demonstrating its impact on protein function have been reported. A different variant affecting the same codon has been classified as pathogenic by our lab (c.526G>A, p.Glu176Lys), supporting the critical relevance of codon 176 to CBS protein function. ClinVar contains an entry for this variant (Variation ID: 1922799). Based on the evidence outlined above, the variant was classified as uncertain significance.

Labcorp Genetics (formerly Invitae), Labcorp
Classification: Likely pathogenic for HYPERHOMOCYSTEINEMIA, THROMBOTIC, CBS-RELATED. Last evaluated: 2024-10-30. Review status: criteria provided, single submitter. Criteria: Invitae Variant Classification Sherloc (09022015). Collection method: clinical testing. Allele origin: germline.
Comment: This sequence change replaces glutamic acid, which is acidic and polar, with glutamine, which is neutral and polar, at codon 176 of the CBS protein (p.Glu176Gln). This variant is not present in population databases (gnomAD no frequency). This variant has not been reported in the literature in individuals affected with CBS-related conditions. ClinVar contains an entry for this variant (Variation ID: 1922799). Invitae Evidence Modeling of protein sequence and biophysical properties (such as structural, functional, and spatial information, amino acid conservation, physicochemical variation, residue mobility, and thermodynamic stability) indicates that this missense variant is expected to disrupt CBS protein function with a positive predictive value of 95%. This variant disrupts the p.Glu176 amino acid residue in CBS. Other variant(s) that disrupt this residue have been determined to be pathogenic (PMID: 9266356, 20506325, 22267502, 22353391, 30732165). This suggests that this residue is clinically significant, and that variants that disrupt this residue are likely to be disease-causing. In summary, the currently available evidence indicates that the variant is pathogenic, but additional data are needed to prove that conclusively. Therefore, this variant has been classified as Likely Pathogenic.

Literature cited by the submitters: PubMed 9266356 (cited by Labcorp Genetics (formerly Invitae), Labcorp); PubMed 20506325 (cited by Labcorp Genetics (formerly Invitae), Labcorp); PubMed 22267502 (cited by Labcorp Genetics (formerly Invitae), Labcorp); PubMed 22353391 (cited by Labcorp Genetics (formerly Invitae), Labcorp); PubMed 30732165 (cited by Labcorp Genetics (formerly Invitae), Labcorp).

NM_000071.3(CBS):c.526G>C (p.Glu176Gln)

Gene: CBS (cystathionine beta-synthase; minus strand). Cytogenetic location: 21q22.3.
Variant type: single nucleotide variant.
Coding change: c.526G>C on transcript NM_000071.3 (MANE Select); coding-DNA position 526, G replaced by C.
Protein change: p.Glu176Gln; replaces glutamic acid 176 with glutamine.
Molecular consequence: missense variant.
Genome position (GRCh38, 1-based): chr21:43,065,621, C>G on the plus strand (G>C on the coding strand, the complement: CBS is on the minus strand). VCF-style: chr21-43065621-C-G. GRCh37 (hg19) VCF-style: chr21-44485731-C-G.
Other names: c.526G>C, p.Glu176Gln (NM_001178008.3, NM_001178009.3, NM_001320298.2); c.211G>C, p.Glu71Gln (NM_001321072.1); short protein forms E176Q, E71Q.
Identifiers: ClinVar variation 1922799 (VCV001922799.7), dbSNP rs762065361, ClinGen allele CA410601281.